The following is an entry in ClinVar:

ClinVar aggregate classification (germline): Uncertain significance. Review status: criteria provided, multiple submitters, no conflicts (2 of 4 stars). 2 submissions from 2 submitters: Uncertain significance (2). Last evaluated 2023-05-22.

Conditions:
Limbal dermoid. Identifiers: MedGen C1867616, MONDO:0021454, HP:0001140.
Tessier cleft. Also called: Facial cleft. Identifiers: Orphanet 141229, MedGen C0685787, MONDO:0015411, HP:0002006.
Pericallosal lipoma. Also called: Corpus callosum lipoma. Identifiers: MedGen C1333160, MONDO:0003845, HP:0006931.
Skin tags. Identifiers: MedGen C0037293, MONDO:0004026, HP:0010609.
Low-set ears. Identifiers: MedGen C0239234, HP:0000369.
Bifid nose, autosomal recessive. Also called: MEDIAN FISSURE OF NOSE; NOSE, MEDIAN CLEFT OF. Identifiers: Orphanet 2695, MedGen C3887497, MONDO:0008866, OMIM 210400.
Abnormal frontal bone morphology. Also called: Abnormality of the frontal bone. Identifiers: MedGen C4021873, HP:0430000.
Hypertelorism. Identifiers: MedGen C0020534, OMIM 145400, HP:0000316.
Facial asymmetry. Also called: Asymmetric Face. Identifiers: MedGen C1306710, HP:0000324.
Upper eyelid coloboma. Identifiers: Orphanet 155884, MedGen C1863872, MONDO:0015480, HP:0000636.

Submissions (2):

GeneDx
Classification: Uncertain significance. Last evaluated: 2023-05-22. Review status: criteria provided, single submitter. Criteria: GeneDx Variant Classification Process June 2021. Collection method: clinical testing. Allele origin: germline. Affected: yes.
Comment: Not observed at significant frequency in large population cohorts (gnomAD); In silico analysis supports that this missense variant does not alter protein structure/function; Has not been previously published as pathogenic or benign to our knowledge

Equipe Genetique des Anomalies du Developpement, Université de Bourgogne
Classification: Uncertain significance for Skin tags; Hypertelorism; Tessier cleft; Limbal dermoid; Upper eyelid coloboma; Bifid nose; Pericallosal lipoma; Facial asymmetry; Low-set ears; Abnormal frontal bone morphology. Review status: criteria provided, single submitter. Criteria: ACMG Guidelines, 2015. Collection method: clinical testing. Allele origin: maternal. Affected: yes.

NM_001374353.1(GLI2):c.3784C>T (p.His1262Tyr)

Gene: GLI2 (GLI family zinc finger 2; plus strand). Cytogenetic location: 2q14.2.
Variant type: single nucleotide variant.
Coding change: c.3784C>T on transcript NM_001374353.1 (MANE Select); coding-DNA position 3784, C replaced by T.
Protein change: p.His1262Tyr; replaces histidine 1262 with tyrosine.
Molecular consequence: missense variant.
Genome position (GRCh38, 1-based): chr2:120,989,749, C>T. VCF-style: chr2-120989749-C-T. GRCh37 (hg19) VCF-style: chr2-121747325-C-T.
Other names: c.3835C>T, p.His1279Tyr (NM_001371271.1, NM_005270.5); c.3409C>T, p.His1137Tyr (NM_001374354.1); short protein forms H1137Y, H1262Y, H1279Y.
Identifiers: ClinVar variation 1065336 (VCV001065336.2), dbSNP rs794727100, ClinGen allele CA348176332.